The following is an entry in ClinVar:

ClinVar aggregate classification (germline): Pathogenic/Likely pathogenic. Review status: criteria provided, multiple submitters, no conflicts (2 of 4 stars). 2 submissions from 2 submitters: Pathogenic (1); Likely pathogenic (1). Last evaluated 2020-01-03.

Conditions:
X-linked Alport syndrome (ATS1). Also called: COL4A5-Related Nephropathy; NEPHROPATHY AND DEAFNESS, X-LINKED. Identifiers: Orphanet 63, Orphanet 88917, MedGen C4746986, MONDO:0010520, OMIM 301050.

Submissions (2):

Labcorp Genetics (formerly Invitae), Labcorp
Classification: Pathogenic. Last evaluated: 2020-01-03. Review status: criteria provided, single submitter. Criteria: Invitae Variant Classification Sherloc (09022015). Collection method: clinical testing. Allele origin: germline.
Comment: Glycine residues within the Gly-Xaa-Yaa repeats of the triple helix domain are required for the structure and stability of fibrillar collagens (PMID: 7695699, 8218237, 19344236). In COL4A5, missense variants at these glycine residues are significantly enriched in individuals with disease (PMID: 23720012, 27627812) compared to the general population (ExAC). For these reasons, this variant has been classified as Pathogenic. This variant has been observed in individual(s) with Alport syndrome (PMID: 24033287, Invitae). ClinVar contains an entry for this variant (Variation ID: 587146). This variant is not present in population databases (ExAC no frequency). This sequence change replaces glycine with glutamic acid at codon 746 of the COL4A5 protein (p.Gly746Glu). The glycine residue is highly conserved and there is a moderate physicochemical difference between glycine and glutamic acid.

Precision Medicine Center, Zhengzhou University
Classification: Likely pathogenic for X-linked Alport syndrome. Review status: criteria provided, single submitter. Criteria: ACMG Guidelines, 2015. Collection method: research. Allele origin: germline. Affected: yes.
Comment: PM1:Located in a mutational hot spot PM2:not found in gnomAD PP2:Missense variant in a gene that has a low rate of benign missense variation and in which missense variants are a common mechanism of disease PP3:Multiple lines of computational evidence support a deleterious effect on the gene or gene product

Literature cited by the submitters: PubMed 7695699 (cited by Labcorp Genetics (formerly Invitae), Labcorp); PubMed 8218237 (cited by Labcorp Genetics (formerly Invitae), Labcorp); PubMed 19344236 (cited by Labcorp Genetics (formerly Invitae), Labcorp); PubMed 23720012 (cited by Labcorp Genetics (formerly Invitae), Labcorp); PubMed 27627812 (cited by Labcorp Genetics (formerly Invitae), Labcorp); PubMed 24033287 (cited by Labcorp Genetics (formerly Invitae), Labcorp).

NM_033380.3(COL4A5):c.2237G>A (p.Gly746Glu)

Gene: COL4A5 (collagen type IV alpha 5 chain; plus strand). Cytogenetic location: Xq22.3.
Variant type: single nucleotide variant.
Coding change: c.2237G>A on transcript NM_033380.3 (MANE Select); coding-DNA position 2237, G replaced by A.
Protein change: p.Gly746Glu; replaces glycine 746 with glutamic acid.
Molecular consequence: missense variant.
Genome position (GRCh38, 1-based): chrX:108,603,054, G>A. VCF-style: chrX-108603054-G-A. GRCh37 (hg19) VCF-style: chrX-107846284-G-A.
Other names: c.2237G>A, p.Gly746Glu (NM_000495.5); short protein forms G746E.
Identifiers: ClinVar variation 587146 (VCV000587146.12), dbSNP rs867625069, ClinGen allele CA413847591.
Genomic context (GRCh38, chrX:108,603,054, plus strand): 5'-CACCTGGGACACCTGGAAGAATTGGTCTAGAAGGCCCTCCTGGGCCACCCGGCTTTCCAG[G>A]ACCAAAGGTCTGGGACATTTTTCTTTATTCCTTCTCATTTTCTTATCTTTCCCACCTTCC-3'
Protein context (NP_203699.1, residues 736-756): EGPPGPPGFP[Gly746Glu]PKGEPGFALP